The following is an entry in ClinVar:

ClinVar aggregate classification (germline): Uncertain significance (1 of 4 stars; one submission).

Conditions:
Werner syndrome (WRN). Identifiers: Orphanet 902, MedGen C0043119, MONDO:0010196, OMIM 277700.

gnomAD v4.1: 3 of 1,613,614 alleles (0.00019%); highest among the groups gnomAD compares: South Asian, 0.0022%; no homozygotes.

Submission:

Labcorp Genetics (formerly Invitae), Labcorp
Classification: Uncertain significance for Werner syndrome. Last evaluated: 2021-01-10. Review status: criteria provided, single submitter. Criteria: Invitae Variant Classification Sherloc (09022015). Collection method: clinical testing. Allele origin: germline.
Comment: Algorithms developed to predict the effect of missense changes on protein structure and function are either unavailable or do not agree on the potential impact of this missense change (SIFT: "Not Available"; PolyPhen-2: "Benign"; Align-GVGD: "Not Available"). In summary, the available evidence is currently insufficient to determine the role of this variant in disease. Therefore, it has been classified as a Variant of Uncertain Significance. This variant has not been reported in the literature in individuals with WRN-related conditions. This variant is not present in population databases (ExAC no frequency). This sequence change replaces histidine with asparagine at codon 491 of the WRN protein (p.His491Asn). The histidine residue is weakly conserved and there is a small physicochemical difference between histidine and asparagine.

NM_000553.6(WRN):c.1471C>A (p.His491Asn)

Gene: WRN (WRN RecQ like helicase; plus strand). Cytogenetic location: 8p12.
Variant type: single nucleotide variant.
Coding change: c.1471C>A on transcript NM_000553.6 (MANE Select); coding-DNA position 1471, C replaced by A.
Protein change: p.His491Asn; replaces histidine 491 with asparagine.
Molecular consequence: missense variant.
Genome position (GRCh38, 1-based): chr8:31,087,815, C>A. VCF-style: chr8-31087815-C-A. GRCh37 (hg19) VCF-style: chr8-30945331-C-A.
Other names: short protein forms H491N.
Identifiers: ClinVar variation 1515790 (VCV001515790.6), dbSNP rs2130155891, ClinGen allele CA370924345.